The following is an entry in ClinVar:

NM_000264.5(PTCH1):c.1048A>G (p.Ser350Gly)

Gene: PTCH1 (patched 1; minus strand). Cytogenetic location: 9q22.32.
Variant type: single nucleotide variant.
Coding change: c.1048A>G on transcript NM_000264.5 (MANE Select); coding-DNA position 1048, A replaced by G.
Protein change: p.Ser350Gly; replaces serine 350 with glycine.
Molecular consequence: missense variant. On other transcripts: non-coding transcript variant (1).
Genome position (GRCh38, 1-based): chr9:95,479,988, T>C on the plus strand (A>G on the coding strand, the complement: PTCH1 is on the minus strand). VCF-style: chr9-95479988-T-C. GRCh37 (hg19) VCF-style: chr9-98242270-T-C.
Other names: c.850A>G, p.Ser284Gly (NM_001083602.3); c.1045A>G, p.Ser349Gly (NM_001083603.3); c.595A>G, p.Ser199Gly (NM_001083604.3, NM_001083605.3, NM_001083606.3 and 1 more transcripts); c.1048A>G, p.Ser350Gly (NM_001354918.2); short protein forms S199G, S349G, S284G, S350G.
Identifiers: ClinVar variation 3939987 (VCV003939987.1).

ClinVar aggregate classification (germline): Uncertain significance (1 of 4 stars; one submission).

Conditions:
Hereditary cancer-predisposing syndrome. Also called: Tumor predisposition; Hereditary neoplastic syndrome; Hereditary Cancer Syndrome; Neoplastic Syndromes, Hereditary. Identifiers: Orphanet 140162, MedGen C0027672, MeSH D009386, MONDO:0015356.

Submission:

Ambry Genetics
Classification: Uncertain significance for Hereditary cancer-predisposing syndrome. Last evaluated: 2025-05-31. Review status: criteria provided, single submitter. Criteria: Ambry Variant Classification Scheme 2023. Collection method: clinical testing. Allele origin: germline.
Comment: The p.S350G variant (also known as c.1048A>G), located in coding exon 7 of the PTCH1 gene, results from an A to G substitution at nucleotide position 1048. The serine at codon 350 is replaced by glycine, an amino acid with similar properties. This amino acid position is conserved. In addition, this alteration is predicted to be tolerated by in silico analysis. Based on the available evidence, the clinical significance of this variant remains unclear.